The following is an entry in ClinVar:

NM_024577.4(SH3TC2):c.*2248A>G

Gene: SH3TC2 (SH3 domain and tetratricopeptide repeats 2; minus strand). Cytogenetic location: 5q32.
Variant type: single nucleotide variant.
Coding change: c.*2248A>G on transcript NM_024577.4 (MANE Select); 2248 bases downstream of the stop codon, A replaced by G.
Molecular consequence: 3 prime UTR variant.
Genome position (GRCh38, 1-based): chr5:149,002,463, T>C on the plus strand (A>G on the coding strand, the complement: SH3TC2 is on the minus strand). VCF-style: chr5-149002463-T-C. GRCh37 (hg19) VCF-style: chr5-148382026-T-C.
Identifiers: ClinVar variation 351858 (VCV000351858.5), dbSNP rs187399485, ClinGen allele CA10623508.

ClinVar aggregate classification (germline): Conflicting classifications of pathogenicity. Review status: criteria provided, conflicting classifications (1 of 4 stars). 2 submissions from 1 submitter: Uncertain significance (1); Likely benign (1). Last evaluated 2018-01-12.

Conditions:
Susceptibility to mononeuropathy of the median nerve, mild. Also called: CARPAL TUNNEL SYNDROME, SUSCEPTIBILITY TO. Identifiers: MedGen C3150596, MONDO:0013237, OMIM 613353.
Charcot-Marie-Tooth disease type 4C (CMT4C). Also called: CHARCOT-MARIE-TOOTH DISEASE, DEMYELINATING, AUTOSOMAL RECESSIVE, TYPE 4C; CMT 4C; Charcot-Marie-Tooth Neuropathy Type 4C (CMT4C); CHARCOT-MARIE-TOOTH DISEASE, DEMYELINATING, TYPE 4C; SH3TC2-Related Hereditary Motor and Sensory Neuropathy. Identifiers: Orphanet 99949, MedGen C1866636, MONDO:0011113, OMIM 601596.

Allele frequency attached by ClinVar (database versions not stated): gnomAD 0.00037 and 0.00039; 1000 Genomes Project 30x 0.00047; TOPMed 0.00058; 1000 Genomes Project 0.00060.

Submissions (2):

Illumina Laboratory Services, Illumina
Classification: Likely benign for Susceptibility to mononeuropathy of the median nerve, mild. Last evaluated: 2018-01-12. Review status: criteria provided, single submitter. Criteria: ICSL Variant Classification Criteria 13 December 2019. Collection method: clinical testing. Allele origin: germline.
Comment: This variant was observed in the ICSL laboratory as part of a predisposition screen in an ostensibly healthy population. It had not been previously curated by ICSL or reported in the Human Gene Mutation Database (HGMD: prior to June 1st, 2018), and was therefore a candidate for classification through an automated scoring system. Utilizing variant allele frequency, disease prevalence and penetrance estimates, and inheritance mode, an automated score was calculated to assess if this variant is too frequent to cause the disease. Based on the score and internal cut-off values, a variant classified as likely benign is not then subjected to further curation. The score for this variant resulted in a classification of likely benign for this disease.

Illumina Laboratory Services, Illumina
Classification: Uncertain significance for Charcot-Marie-Tooth disease type 4C. Last evaluated: 2018-01-12. Review status: criteria provided, single submitter. Criteria: ICSL Variant Classification Criteria 13 December 2019. Collection method: clinical testing. Allele origin: germline.